The following is an entry in ClinVar:

ClinVar aggregate classification (germline): Uncertain significance (1 of 4 stars; one submission).

Conditions:
Developmental and epileptic encephalopathy, 32 (DEE32). Also called: Epileptic encephalopathy, early infantile, 32. Identifiers: Orphanet 442835, MedGen C4225350, MONDO:0014607, OMIM 616366.

gnomAD v4.1: 4 of 1,614,178 alleles (0.00025%); highest among the groups gnomAD compares: Non-Finnish European, 0.00034%; no homozygotes.

Submission:

Labcorp Genetics (formerly Invitae), Labcorp
Classification: Uncertain significance for Developmental and epileptic encephalopathy, 32. Last evaluated: 2024-11-18. Review status: criteria provided, single submitter. Criteria: Invitae Variant Classification Sherloc (09022015). Collection method: clinical testing. Allele origin: germline.
Comment: This sequence change replaces valine, which is neutral and non-polar, with isoleucine, which is neutral and non-polar, at codon 225 of the KCNA2 protein (p.Val225Ile). This variant is not present in population databases (gnomAD no frequency). This variant has not been reported in the literature in individuals affected with KCNA2-related conditions. ClinVar contains an entry for this variant (Variation ID: 2787873). Invitae Evidence Modeling of protein sequence and biophysical properties (such as structural, functional, and spatial information, amino acid conservation, physicochemical variation, residue mobility, and thermodynamic stability) indicates that this missense variant is not expected to disrupt KCNA2 protein function with a negative predictive value of 95%. In summary, the available evidence is currently insufficient to determine the role of this variant in disease. Therefore, it has been classified as a Variant of Uncertain Significance.

NM_004974.4(KCNA2):c.673G>A (p.Val225Ile)

Gene: KCNA2 (potassium voltage-gated channel subfamily A member 2; minus strand). Cytogenetic location: 1p13.3.
Variant type: single nucleotide variant.
Coding change: c.673G>A on transcript NM_004974.4 (MANE Select); coding-DNA position 673, G replaced by A.
Protein change: p.Val225Ile; replaces valine 225 with isoleucine.
Molecular consequence: missense variant.
Genome position (GRCh38, 1-based): chr1:110,604,110, C>T on the plus strand (G>A on the coding strand, the complement: KCNA2 is on the minus strand). VCF-style: chr1-110604110-C-T. GRCh37 (hg19) VCF-style: chr1-111146732-C-T.
Other names: c.673G>A, p.Val225Ile (NM_001204269.2); short protein forms V225I.
Identifiers: ClinVar variation 2787873 (VCV002787873.3), dbSNP rs2524619759, ClinGen allele CA341603469.